The following is an entry in ClinVar:

NM_000748.3(CHRNB2):c.821T>A (p.Leu274Gln)

Gene: CHRNB2 (cholinergic receptor nicotinic beta 2 subunit; plus strand). Cytogenetic location: 1q21.3.
Variant type: single nucleotide variant.
Coding change: c.821T>A on transcript NM_000748.3 (MANE Select); coding-DNA position 821, T replaced by A.
Protein change: p.Leu274Gln; replaces leucine 274 with glutamine.
Molecular consequence: missense variant.
Genome position (GRCh38, 1-based): chr1:154,571,644, T>A. VCF-style: chr1-154571644-T-A. GRCh37 (hg19) VCF-style: chr1-154544120-T-A.
Other names: short protein forms L274Q.
Identifiers: ClinVar variation 3250449 (VCV003250449.1), dbSNP rs2526370209.

ClinVar aggregate classification (germline): Uncertain significance (1 of 4 stars; one submission).

Conditions:
Autosomal dominant nocturnal frontal lobe epilepsy 3. Also called: CHRNB2-Related Nocturnal Frontal Lobe Epilepsy, Autosomal Dominant. Identifiers: Orphanet 98784, MedGen C1854335, MONDO:0011545, OMIM 605375.

Submission:

Neuberg Centre For Genomic Medicine, NCGM
Classification: Uncertain significance for Autosomal dominant nocturnal frontal lobe epilepsy 3. Review status: criteria provided, single submitter. Criteria: ACMG Guidelines, 2015. Collection method: clinical testing. Allele origin: germline. Inheritance: Autosomal dominant inheritance. Affected: yes.
Comment: The observed missense variant c.821T>A (p.Leu274Gln) in CHRNB2 gene has not been reported previously as a pathogenic variant nor as a benign variant, to our knowledge. The p.Leu274Gln variant is absent in gnomAD Exomes databases. This variant has not been submitted to the ClinVar database. The amino acid change p.Leu274Gln in CHRNB2 is predicted as conserved by GERP++ and PhyloP across 100 vertebrates. The amino acid Leu at position 274 is changed to a Gln changing protein sequence and it might alter its composition and physico-chemical properties. For these reasons, this variant has been classified as a Variant of Uncertain Significance (VUS).